The following is an entry in ClinVar:

ClinVar aggregate classification (germline): Uncertain significance (1 of 4 stars; one submission).

Conditions:
Tuberous sclerosis 2 (TSC2). Identifiers: Orphanet 805, MedGen C1860707, MONDO:0013199, OMIM 613254.

Allele frequency attached by ClinVar (database versions not stated): gnomAD exomes below 0.00001.

Submission:

Labcorp Genetics (formerly Invitae), Labcorp
Classification: Uncertain significance for Tuberous sclerosis 2. Last evaluated: 2023-07-15. Review status: criteria provided, single submitter. Criteria: Invitae Variant Classification Sherloc (09022015). Collection method: clinical testing. Allele origin: germline.
Comment: In summary, the available evidence is currently insufficient to determine the role of this variant in disease. Therefore, it has been classified as a Variant of Uncertain Significance. Advanced modeling of protein sequence and biophysical properties (such as structural, functional, and spatial information, amino acid conservation, physicochemical variation, residue mobility, and thermodynamic stability) performed at Invitae indicates that this missense variant is not expected to disrupt TSC2 protein function. ClinVar contains an entry for this variant (Variation ID: 1025872). This variant has not been reported in the literature in individuals affected with TSC2-related conditions. This variant is not present in population databases (gnomAD no frequency). This sequence change replaces phenylalanine, which is neutral and non-polar, with leucine, which is neutral and non-polar, at codon 1241 of the TSC2 protein (p.Phe1241Leu).

NM_000548.5(TSC2):c.3721T>C (p.Phe1241Leu)

Gene: TSC2 (TSC complex subunit 2; plus strand). Cytogenetic location: 16p13.3.
Variant type: single nucleotide variant.
Coding change: c.3721T>C on transcript NM_000548.5 (MANE Select); coding-DNA position 3721, T replaced by C.
Protein change: p.Phe1241Leu; replaces phenylalanine 1241 with leucine.
Molecular consequence: missense variant.
Genome position (GRCh38, 1-based): chr16:2,081,705, T>C. VCF-style: chr16-2081705-T-C. GRCh37 (hg19) VCF-style: chr16-2131706-T-C.
Other names: c.3589T>C, p.Phe1197Leu (NM_001077183.3, NM_001370404.1); c.3721T>C, p.Phe1241Leu (NM_001114382.3); c.3481T>C, p.Phe1161Leu (NM_001318827.2); c.3445T>C, p.Phe1149Leu (NM_001318829.2); c.2989T>C, p.Phe997Leu (NM_001318831.2); c.3622T>C, p.Phe1208Leu (NM_001318832.2); c.3592T>C, p.Phe1198Leu (NM_001363528.2, NM_001370405.1, NM_021055.3); short protein forms F1149L, F1161L, F1197L, F1198L, F1208L, F1241L, F997L.
Identifiers: ClinVar variation 1025872 (VCV001025872.8), dbSNP rs2090162360, ClinGen allele CA394292777.
Genomic context (GRCh38, chr16:2,081,705, plus strand): 5'-TCGGACATCAACAACATGCCCCTGCAGGAGCTGTCTAACGCCCTCATGGCGGCTGAGCGC[T>C]TCAAGGAGCACCGGGACACAGCCCTGTACAAGTCACTGTCGGTGCCGGCAGCCAGCACGG-3'
Protein context (NP_000539.2, residues 1231-1251): LSNALMAAER[Phe1241Leu]KEHRDTALYK